The following is an entry in ClinVar:

ClinVar aggregate classification (germline): Uncertain significance (1 of 4 stars; one submission).
ClinVar aggregate classification (oncogenicity): Likely oncogenic (1 of 4 stars; one submission).

Conditions:
BAP1-related tumor predisposition syndrome (TPDS1). Also called: COMMON Syndrome; Tumor susceptibility linked to germline BAP1 mutations; TUMOR PREDISPOSITION SYNDROME 1; BAP1 tumor predisposition syndrome. Identifiers: Orphanet 289539, MedGen C3280492, MONDO:0013692, OMIM 614327.
Neoplasm. Also called: Neoplasm (disease); Neoplasms; tumor. Identifiers: MedGen C0027651, MeSH D009369, MONDO:0005070, HP:0002664.

Submissions (2):

Center for Genomic Medicine, Rigshospitalet, Copenhagen University Hospital
Classification: Likely oncogenic for Neoplasm. Last evaluated: 2025-12-29. Review status: criteria provided, single submitter. Criteria: ClinGen/CGC/VICC Guidelines for Oncogenicity, 2022. Collection method: clinical testing. Allele origin: somatic. Affected: yes.

Labcorp Genetics (formerly Invitae), Labcorp
Classification: Uncertain significance for BAP1-related tumor predisposition syndrome. Last evaluated: 2019-06-28. Review status: criteria provided, single submitter. Criteria: Invitae Variant Classification Sherloc (09022015). Collection method: clinical testing. Allele origin: germline.
Comment: This variant is not present in population databases (ExAC no frequency). In summary, the available evidence is currently insufficient to determine the role of this variant in disease. Therefore, it has been classified as a Variant of Uncertain Significance. Algorithms developed to predict the effect of missense changes on protein structure and function (SIFT, PolyPhen-2, Align-GVGD) all suggest that this variant is likely to be disruptive, but these predictions have not been confirmed by published functional studies and their clinical significance is uncertain. This variant has not been reported in the literature in individuals with BAP1-related conditions. ClinVar contains an entry for this variant (Variation ID: 412403). This sequence change replaces aspartic acid with glycine at codon 184 of the BAP1 protein (p.Asp184Gly). The aspartic acid residue is highly conserved and there is a moderate physicochemical difference between aspartic acid and glycine.

Literature cited by the submitters: PubMed 33240524 (cited by Center for Genomic Medicine, Rigshospitalet, Copenhagen University Hospital).

NM_004656.4(BAP1):c.551A>G (p.Asp184Gly)

Gene: BAP1 (BRCA1 associated deubiquitinase 1; minus strand). Cytogenetic location: 3p21.1.
Variant type: single nucleotide variant.
Coding change: c.551A>G on transcript NM_004656.4 (MANE Select); coding-DNA position 551, A replaced by G.
Protein change: p.Asp184Gly; replaces aspartic acid 184 with glycine.
Molecular consequence: missense variant.
Genome position (GRCh38, 1-based): chr3:52,407,203, T>C on the plus strand (A>G on the coding strand, the complement: BAP1 is on the minus strand). VCF-style: chr3-52407203-T-C. GRCh37 (hg19) VCF-style: chr3-52441219-T-C.
Other names: short protein forms D184G.
Identifiers: ClinVar variation 412403 (VCV000412403.9), dbSNP rs1060503729, ClinGen allele CA16611350.